The following is an entry in ClinVar:

NM_181486.4(TBX5):c.101C>A (p.Ala34Asp)

Gene: TBX5 (T-box transcription factor 5; minus strand). Cytogenetic location: 12q24.21.
Variant type: single nucleotide variant.
Coding change: c.101C>A on transcript NM_181486.4 (MANE Select); coding-DNA position 101, C replaced by A.
Protein change: p.Ala34Asp; replaces alanine 34 with aspartic acid.
Molecular consequence: missense variant. On other transcripts: intron variant (1).
Genome position (GRCh38, 1-based): chr12:114,403,798, G>T on the plus strand (C>A on the coding strand, the complement: TBX5 is on the minus strand). VCF-style: chr12-114403798-G-T. GRCh37 (hg19) VCF-style: chr12-114841603-G-T.
Other names: c.101C>A, p.Ala34Asp (NM_000192.3); c.-3-1878C>A (NM_080717.4); short protein forms A34D.
Identifiers: ClinVar variation 1305626 (VCV001305626.7), dbSNP rs761952835, ClinGen allele CA6809720.

ClinVar aggregate classification (germline): Uncertain significance. Review status: criteria provided, multiple submitters, no conflicts (2 of 4 stars). 4 submissions from 4 submitters: Uncertain significance (3). 1 of the submissions does not count toward it. Last evaluated 2026-03-12.

Conditions:
Aortic valve disease 2 (AOVD2). Identifiers: MedGen C3542024, MONDO:0013902, OMIM 614823.
TBX5-related disorder. Also called: TBX5-related condition.
Cardiovascular phenotype. Identifiers: MedGen CN230736.

Allele frequency attached by ClinVar (database versions not stated): gnomAD 0.00001.
gnomAD v4.1: 14 of 1,614,046 alleles (0.00087%); highest among the groups gnomAD compares: East Asian, 0.022%; no homozygotes.

Submissions (4):

Ambry Genetics
Classification: Uncertain significance for Cardiovascular phenotype. Last evaluated: 2026-03-12. Review status: criteria provided, single submitter. Criteria: Ambry Variant Classification Scheme 2023. Collection method: clinical testing. Allele origin: germline.
Comment: The p.A34D variant (also known as c.101C>A), located in coding exon 1 of the TBX5 gene, results from a C to A substitution at nucleotide position 101. The alanine at codon 34 is replaced by aspartic acid, an amino acid with dissimilar properties. This amino acid position is conserved. In addition, this alteration is predicted to be tolerated by in silico analysis. Based on the available evidence, the clinical significance of this variant remains unclear.

Labcorp Genetics (formerly Invitae), Labcorp
Classification: Uncertain significance for Aortic valve disease 2. Last evaluated: 2024-12-12. Review status: criteria provided, single submitter. Criteria: Invitae Variant Classification Sherloc (09022015). Collection method: clinical testing. Allele origin: germline.
Comment: This sequence change replaces alanine, which is neutral and non-polar, with aspartic acid, which is acidic and polar, at codon 34 of the TBX5 protein (p.Ala34Asp). This variant is present in population databases (rs761952835, gnomAD 0.003%). This variant has not been reported in the literature in individuals affected with TBX5-related conditions. ClinVar contains an entry for this variant (Variation ID: 1305626). Invitae Evidence Modeling of protein sequence and biophysical properties (such as structural, functional, and spatial information, amino acid conservation, physicochemical variation, residue mobility, and thermodynamic stability) indicates that this missense variant is not expected to disrupt TBX5 protein function with a negative predictive value of 95%. In summary, the available evidence is currently insufficient to determine the role of this variant in disease. Therefore, it has been classified as a Variant of Uncertain Significance.

GeneDx
Classification: Uncertain significance. Last evaluated: 2020-07-06. Review status: criteria provided, single submitter. Criteria: GeneDx Variant Classification Process June 2021. Collection method: clinical testing. Allele origin: germline. Affected: yes.
Comment: In silico analysis, which includes protein predictors and evolutionary conservation, supports that this variant does not alter protein structure/function; Has not been previously published as pathogenic or benign to our knowledge

PreventionGenetics, part of Exact Sciences
Classification: Uncertain significance for TBX5-related condition. Last evaluated: 2023-11-17. Review status: no assertion criteria provided. Collection method: clinical testing. Allele origin: germline. Not counted in ClinVar's aggregate classification.
Comment: The TBX5 c.101C>A variant is predicted to result in the amino acid substitution p.Ala34Asp. To our knowledge, this variant has not been reported in the literature. This variant is reported in 0.0033% of alleles in individuals of South Asian descent in gnomAD. Although we suspect that this variant may be benign, at this time, the clinical significance of this variant is uncertain due to the absence of conclusive functional and genetic evidence.